The following is an entry in ClinVar:

ClinVar aggregate classification (germline): Likely benign. Review status: criteria provided, multiple submitters, no conflicts (2 of 4 stars). 5 submissions from 5 submitters: Likely benign (5). Last evaluated 2026-03-01.

Conditions:
Developmental and epileptic encephalopathy, 18 (DEE18). Also called: Early infantile epileptic encephalopathy 18. Identifiers: Orphanet 369894, MedGen C3809624, MONDO:0014201, OMIM 615476.

Allele frequency attached by ClinVar (database versions not stated): 1000 Genomes Project 30x 0.00016; 1000 Genomes Project 0.00020; ESP Exome Variant Server 0.00031; ExAC 0.00035; gnomAD exomes 0.00036 and 0.00054; gnomAD 0.00038 and 0.00042; TOPMed 0.00041.
gnomAD v4.1: 849 of 1,614,104 alleles (0.053%); highest among the groups gnomAD compares: Middle Eastern, 0.082%; no homozygotes.

Submissions (5):

CeGaT Center for Human Genetics Tuebingen
Classification: Likely benign. Last evaluated: 2026-03-01. Review status: criteria provided, single submitter. Criteria: CeGaT Center For Human Genetics Tuebingen Variant Classification Criteria Version 2. Collection method: clinical testing. Allele origin: germline. Affected: yes. Observed: 8 variant alleles.
Comment: SZT2: BP4, BP7

Labcorp Genetics (formerly Invitae), Labcorp
Classification: Likely benign. Last evaluated: 2026-01-13. Review status: criteria provided, single submitter. Criteria: Invitae Variant Classification Sherloc (09022015). Collection method: clinical testing. Allele origin: germline.

Blueprint Genetics
Classification: Likely benign. Last evaluated: 2024-08-16. Review status: criteria provided, single submitter. Criteria: ACMG Guidelines, 2015. Collection method: clinical testing. Allele origin: germline.

Genome-Nilou Lab
Classification: Likely benign for Developmental and epileptic encephalopathy, 18. Last evaluated: 2023-04-11. Review status: criteria provided, single submitter. Criteria: ACMG Guidelines, 2015. Collection method: clinical testing. Allele origin: germline. Affected: no.

Breakthrough Genomics
Classification: Likely benign. Review status: criteria provided, single submitter. Criteria: ACMG Guidelines, 2015. Collection method: not provided. Allele origin: germline. Inheritance: Autosomal recessive inheritance. Affected: yes.

NM_001365999.1(SZT2):c.6582A>G (p.Thr2194=)

Gene: SZT2 (SZT2 subunit of KICSTOR complex; plus strand). Cytogenetic location: 1p34.2.
Variant type: single nucleotide variant.
Coding change: c.6582A>G on transcript NM_001365999.1 (MANE Select); coding-DNA position 6582, A replaced by G.
Protein change: p.Thr2194=; no amino-acid change (threonine 2194 retained).
Molecular consequence: synonymous variant.
Genome position (GRCh38, 1-based): chr1:43,438,772, A>G. VCF-style: chr1-43438772-A-G. GRCh37 (hg19) VCF-style: chr1-43904443-A-G.
Other names: c.6411A>G, p.Thr2137= (NM_015284.4).
Identifiers: ClinVar variation 695997 (VCV000695997.51), dbSNP rs145802078, ClinGen allele CA809949.